The following is an entry in ClinVar:

NM_001111.5(ADAR):c.1907C>G (p.Ser636Cys)

Gene: ADAR (adenosine deaminase RNA specific; minus strand). Cytogenetic location: 1q21.3.
Variant type: single nucleotide variant.
Coding change: c.1907C>G on transcript NM_001111.5 (MANE Select); coding-DNA position 1907, C replaced by G.
Protein change: p.Ser636Cys; replaces serine 636 with cysteine.
Molecular consequence: missense variant.
Genome position (GRCh38, 1-based): chr1:154,597,855, G>C on the plus strand (C>G on the coding strand, the complement: ADAR is on the minus strand). VCF-style: chr1-154597855-G-C. GRCh37 (hg19) VCF-style: chr1-154570331-G-C.
Other names: c.1022C>G, p.Ser341Cys (NM_001365048.1, NM_001365049.1, NM_001025107.3 and 3 more transcripts); c.1907C>G, p.Ser636Cys (NM_015840.4, NM_015841.4); c.1934C>G, p.Ser645Cys (NM_001365045.1); short protein forms S341C, S636C, S645C.
Identifiers: ClinVar variation 4539908 (VCV004539908.1).
Genomic context (GRCh38, chr1:154,597,855, plus strand): 5'-ACCTCAGCTGGACAGAGGACACGTAGGACATACTTGGGTTCATGGGCAGGGCCTTCTTTG[G>C]ACAGGAGACGGAATTCGCAGGAGTTCCCCAATTTGTGCATACACTCAAGCAGTGTGGTGA-3'
Protein context (NP_001102.3, residues 626-646): LGNSCEFRLL[Ser636Cys]KEGPAHEPKF

ClinVar aggregate classification (germline): Uncertain significance (1 of 4 stars; one submission).

Submission:

GeneDx
Classification: Uncertain significance. Last evaluated: 2025-06-26. Review status: criteria provided, single submitter. Criteria: GeneDx Variant Classification Process June 2021. Collection method: clinical testing. Allele origin: germline. Affected: yes.
Comment: Not observed at significant frequency in large population cohorts (gnomAD); In silico analysis supports that this missense variant has a deleterious effect on protein structure/function; Has not been previously published as pathogenic or benign to our knowledge